The following is an entry in ClinVar:

NM_004341.5(CAD):c.3097C>T (p.Arg1033Trp)

Gene: CAD (carbamoyl-phosphate synthetase 2, aspartate transcarbamylase, and dihydroorotase; plus strand). Cytogenetic location: 2p23.3.
Variant type: single nucleotide variant.
Coding change: c.3097C>T on transcript NM_004341.5 (MANE Select); coding-DNA position 3097, C replaced by T.
Protein change: p.Arg1033Trp; replaces arginine 1033 with tryptophan.
Molecular consequence: missense variant.
Genome position (GRCh38, 1-based): chr2:27,233,417, C>T. VCF-style: chr2-27233417-C-T. GRCh37 (hg19) VCF-style: chr2-27456285-C-T.
Other names: c.2908C>T, p.Arg970Trp (NM_001306079.2); short protein forms R1033W, R970W.
Identifiers: ClinVar variation 1497850 (VCV001497850.5), dbSNP rs567787691, ClinGen allele CA1573197.

ClinVar aggregate classification (germline): Uncertain significance (1 of 4 stars; one submission).

Allele frequency attached by ClinVar (database versions not stated): TOPMed below 0.00001; gnomAD 0.00001; gnomAD exomes 0.00002 and 0.00004; ExAC 0.00004; 1000 Genomes Project 0.00020; 1000 Genomes Project 30x 0.00031.
gnomAD v4.1: 27 of 1,614,224 alleles (0.0017%); highest among the groups gnomAD compares: South Asian, 0.022%; 1 homozygote.

Submission:

Labcorp Genetics (formerly Invitae), Labcorp
Classification: Uncertain significance. Last evaluated: 2021-08-26. Review status: criteria provided, single submitter. Criteria: Invitae Variant Classification Sherloc (09022015). Collection method: clinical testing. Allele origin: germline.
Comment: This sequence change replaces arginine with tryptophan at codon 1033 of the CAD protein (p.Arg1033Trp). The arginine residue is moderately conserved and there is a moderate physicochemical difference between arginine and tryptophan. This variant is present in population databases (rs567787691, ExAC 0.02%). This variant has not been reported in the literature in individuals affected with CAD-related conditions. Algorithms developed to predict the effect of missense changes on protein structure and function (SIFT, PolyPhen-2, Align-GVGD) all suggest that this variant is likely to be disruptive. In summary, the available evidence is currently insufficient to determine the role of this variant in disease. Therefore, it has been classified as a Variant of Uncertain Significance.